The following is an entry in ClinVar:

NM_000204.5(CFI):c.325G>A (p.Glu109Lys)

Gene: CFI (complement factor I; minus strand). Cytogenetic location: 4q25.
Variant type: single nucleotide variant.
Coding change: c.325G>A on transcript NM_000204.5 (MANE Select); coding-DNA position 325, G replaced by A.
Protein change: p.Glu109Lys; replaces glutamic acid 109 with lysine.
Molecular consequence: missense variant. On other transcripts: non-coding transcript variant (3), intron variant (1).
Genome position (GRCh38, 1-based): chr4:109,766,557, C>T on the plus strand (G>A on the coding strand, the complement: CFI is on the minus strand). VCF-style: chr4-109766557-C-T. GRCh37 (hg19) VCF-style: chr4-110687713-C-T.
Other names: c.325G>A (NM_000204.3); c.325G>A, p.Glu109Lys (NM_001318057.2, NM_001331035.2, NM_001375278.1 and 5 more transcripts); c.-127-4865G>A (NM_001375284.1); short protein forms E109K.
Identifiers: ClinVar variation 1368212 (VCV001368212.11), dbSNP rs748098641, ClinGen allele CA3042315.

ClinVar aggregate classification (germline): Uncertain significance. Review status: criteria provided, multiple submitters, no conflicts (2 of 4 stars). 3 submissions from 3 submitters: Uncertain significance (3). Last evaluated 2025-09-01.

Conditions:
Inborn genetic diseases. Identifiers: MedGen C0950123, MeSH D030342.
Factor I deficiency (CFID). Also called: Complement factor I deficiency. Identifiers: Orphanet 200418, MedGen C3463916, MONDO:0012594, OMIM 610984.
Atypical hemolytic-uremic syndrome with I factor anomaly. Also called: HEMOLYTIC UREMIC SYNDROME, ATYPICAL, SUSCEPTIBILITY TO, 3; AHUS, SUSCEPTIBILITY TO, 3. Identifiers: Orphanet 2134, MedGen C2752039, MONDO:0013041, OMIM 612923.
Age related macular degeneration 13. Identifiers: MedGen C3809523, MONDO:0014189, OMIM 615439.

Allele frequency attached by ClinVar (database versions not stated): ExAC 0.00001; gnomAD exomes 0.00003 and 0.00004; gnomAD 0.00006 and 0.00007; TOPMed 0.00008.
gnomAD v4.1: 54 of 1,614,146 alleles (0.0033%); highest among the groups gnomAD compares: Admixed American, 0.023%; no homozygotes.

Submissions (3):

Labcorp Genetics (formerly Invitae), Labcorp
Classification: Uncertain significance. Last evaluated: 2025-09-01. Review status: criteria provided, single submitter. Criteria: Invitae Variant Classification Sherloc (09022015). Collection method: clinical testing. Allele origin: germline.
Comment: This sequence change replaces glutamic acid, which is acidic and polar, with lysine, which is basic and polar, at codon 109 of the CFI protein (p.Glu109Lys). This variant is present in population databases (rs748098641, gnomAD 0.02%). This variant has not been reported in the literature in individuals affected with CFI-related conditions. ClinVar contains an entry for this variant (Variation ID: 1368212). Invitae Evidence Modeling of protein sequence and biophysical properties (such as structural, functional, and spatial information, amino acid conservation, physicochemical variation, residue mobility, and thermodynamic stability) indicates that this missense variant is not expected to disrupt CFI protein function with a negative predictive value of 80%. In summary, the available evidence is currently insufficient to determine the role of this variant in disease. Therefore, it has been classified as a Variant of Uncertain Significance.

Fulgent Genetics
Classification: Uncertain significance for Factor I deficiency; Atypical hemolytic-uremic syndrome with I factor anomaly; Age related macular degeneration 13. Last evaluated: 2024-06-24. Review status: criteria provided, single submitter. Criteria: ACMG Guidelines, 2015. Collection method: clinical testing. Allele origin: germline.

Ambry Genetics
Classification: Uncertain significance for Inborn genetic diseases. Last evaluated: 2024-01-09. Review status: criteria provided, single submitter. Criteria: Ambry Variant Classification Scheme 2023. Collection method: clinical testing. Allele origin: germline.